The following is an entry in ClinVar:

ClinVar aggregate classification (germline): Uncertain significance (1 of 4 stars; one submission).

Conditions:
Atypical glycine encephalopathy. Also called: Glycine encephalopathy with normal serum glycine. Identifiers: Orphanet 289863, MedGen C4310943, MONDO:0015010, OMIM 617301.

Allele frequency attached by ClinVar (database versions not stated): TOPMed below 0.00001; ExAC 0.00001; gnomAD exomes 0.00001.

Submission:

Labcorp Genetics (formerly Invitae), Labcorp
Classification: Uncertain significance for Atypical glycine encephalopathy. Last evaluated: 2026-01-05. Review status: criteria provided, single submitter. Criteria: Invitae Variant Classification Sherloc (09022015). Collection method: clinical testing. Allele origin: germline.
Comment: This sequence change replaces proline, which is neutral and non-polar, with serine, which is neutral and polar, at codon 21 of the SLC6A9 protein (p.Pro21Ser). This variant is present in population databases (rs200396487, gnomAD 0.002%). This variant has not been reported in the literature in individuals affected with SLC6A9-related conditions. ClinVar contains an entry for this variant (Variation ID: 1485388). An algorithm developed to predict the effect of missense changes on protein structure and function outputs the following: PolyPhen-2: "Probably Damaging". The serine amino acid residue is found in multiple mammalian species, which suggests that this missense change does not adversely affect protein function. In summary, the available evidence is currently insufficient to determine the role of this variant in disease. Therefore, it has been classified as a Variant of Uncertain Significance.

NM_001024845.3(SLC6A9):c.31-6191C>T

Gene: SLC6A9 (solute carrier family 6 member 9; minus strand). Cytogenetic location: 1p34.1.
Variant type: single nucleotide variant.
Coding change: c.31-6191C>T on transcript NM_001024845.3 (MANE Select); 6191 bases into the intron before coding-DNA position 31, C replaced by T.
Molecular consequence: intron variant. On other transcripts: missense variant (5), non-coding transcript variant (1).
Genome position (GRCh38, 1-based): chr1:44,017,073, G>A on the plus strand (C>T on the coding strand, the complement: SLC6A9 is on the minus strand). VCF-style: chr1-44017073-G-A. GRCh37 (hg19) VCF-style: chr1-44482745-G-A.
Other names: c.61C>T, p.Pro21Ser (NM_001261380.2, NM_006934.4, NM_201649.4); c.98C>T, p.Thr33Ile (NM_001328627.1, NM_001328628.1); c.-15+7175C>T (NM_001328630.2, NM_001328626.2); c.31-6191C>T (NM_001328629.1); short protein forms T33I, P21S.
Identifiers: ClinVar variation 1485388 (VCV001485388.8), dbSNP rs200396487, ClinGen allele CA817965.
Genomic context (GRCh38, chr1:44,017,073, plus strand): 5'-AGGAGGGGGCTCAACTTCCTGGAAGGTGACTGACCTGTTCTGGGGAAGAGGGGGCCACAG[G>A]TCCATGAGCCGCGGCCATCCTGGGGCGAGCGATCGCAGCCCGCGTGTCTCCGCCGCTCAT-3'